The following is an entry in ClinVar:

ClinVar aggregate classification (germline): Uncertain significance (1 of 4 stars; one submission).

Conditions:
Hereditary cancer-predisposing syndrome. Also called: Neoplastic Syndromes, Hereditary; Tumor predisposition; Hereditary neoplastic syndrome; Hereditary Cancer Syndrome. Identifiers: Orphanet 140162, MedGen C0027672, MeSH D009386, MONDO:0015356.

Submission:

Ambry Genetics
Classification: Uncertain significance for Hereditary cancer-predisposing syndrome. Last evaluated: 2022-12-02. Review status: criteria provided, single submitter. Criteria: Ambry Variant Classification Scheme 2023. Collection method: clinical testing. Allele origin: germline.
Comment: The p.H150Q variant (also known as c.450T>A), located in coding exon 4 of the BRCA2 gene, results from a T to A substitution at nucleotide position 450. The histidine at codon 150 is replaced by glutamine, an amino acid with highly similar properties. This amino acid position is not well conserved in available vertebrate species. In addition, this alteration is predicted to be tolerated by in silico analysis. Since supporting evidence is limited at this time, the clinical significance of this alteration remains unclear.

NM_000059.4(BRCA2):c.450T>A (p.His150Gln)

Gene: BRCA2 (BRCA2 DNA repair associated; plus strand). Cytogenetic location: 13q13.1.
Variant type: single nucleotide variant.
Coding change: c.450T>A on transcript NM_000059.4 (MANE Select); coding-DNA position 450, T replaced by A.
Protein change: p.His150Gln; replaces histidine 150 with glutamine.
Molecular consequence: missense variant. On other transcripts: non-coding transcript variant (1).
Genome position (GRCh38, 1-based): chr13:32,326,125, T>A. VCF-style: chr13-32326125-T-A. GRCh37 (hg19) VCF-style: chr13-32900262-T-A.
Other names: c.450T>A, p.His150Gln (NM_001406719.1, NM_001406720.1, NM_001406721.1); c.81T>A, p.His27Gln (NM_001406722.1); short protein forms H150Q, H27Q.
Identifiers: ClinVar variation 2451498 (VCV002451498.2), dbSNP rs1044335769, ClinGen allele CA387757101.